The following is an entry in ClinVar:

NM_001367624.2(ZNF469):c.1038C>G (p.Asn346Lys)

Gene: ZNF469 (zinc finger protein 469; plus strand). Cytogenetic location: 16q24.2.
Variant type: single nucleotide variant.
Coding change: c.1038C>G on transcript NM_001367624.2 (MANE Select); coding-DNA position 1038, C replaced by G.
Protein change: p.Asn346Lys; replaces asparagine 346 with lysine.
Molecular consequence: missense variant.
Genome position (GRCh38, 1-based): chr16:88,428,508, C>G. VCF-style: chr16-88428508-C-G. GRCh37 (hg19) VCF-style: chr16-88494916-C-G.
Other names: short protein forms N346K.
Identifiers: ClinVar variation 3659699 (VCV003659699.2).

ClinVar aggregate classification (germline): Uncertain significance (1 of 4 stars; one submission).

Submission:

Labcorp Genetics (formerly Invitae), Labcorp
Classification: Uncertain significance. Last evaluated: 2024-07-16. Review status: criteria provided, single submitter. Criteria: Invitae Variant Classification Sherloc (09022015). Collection method: clinical testing. Allele origin: germline.
Comment: This sequence change replaces asparagine, which is neutral and polar, with lysine, which is basic and polar, at codon 346 of the ZNF469 protein (p.Asn346Lys). This variant is not present in population databases (gnomAD no frequency). This variant has not been reported in the literature in individuals affected with ZNF469-related conditions. An algorithm developed to predict the effect of missense changes on protein structure and function outputs the following: PolyPhen-2: "Benign". The lysine amino acid residue is found in multiple mammalian species, which suggests that this missense change does not adversely affect protein function. In summary, the available evidence is currently insufficient to determine the role of this variant in disease. Therefore, it has been classified as a Variant of Uncertain Significance.